The following is an entry in ClinVar:

ClinVar aggregate classification (germline): Pathogenic/Likely pathogenic. Review status: criteria provided, multiple submitters, no conflicts (2 of 4 stars). 4 submissions from 4 submitters: Pathogenic (2); Likely pathogenic (1). 1 of the submissions does not count toward it. Last evaluated 2023-06-16.

Conditions:
Permanent neonatal diabetes mellitus (PNDM). Identifiers: Orphanet 99885, MedGen C1833104, MONDO:0100164, MONDO:0011643. Disease mechanism: gain of function.
Type 2 diabetes mellitus. Also called: Type II diabetes mellitus. Identifiers: MedGen C0011860, MeSH D003924, MONDO:0005148, OMIM 125853, HP:0005978.
Neonatal insulin-dependent diabetes mellitus. Identifiers: MedGen C3278636, HP:0000857.

Submissions (4):

Labcorp Genetics (formerly Invitae), Labcorp
Classification: Pathogenic. Last evaluated: 2023-06-16. Review status: criteria provided, single submitter. Criteria: Invitae Variant Classification Sherloc (09022015). Collection method: clinical testing. Allele origin: germline.
Comment: This missense change has been observed in individual(s) with early onset diabetes (PMID: 15448107, 29361385, 32792356). In at least one individual the variant was observed to be de novo. This variant is not present in population databases (gnomAD no frequency). This sequence change replaces tyrosine, which is neutral and polar, with cysteine, which is neutral and slightly polar, at codon 330 of the KCNJ11 protein (p.Tyr330Cys). ClinVar contains an entry for this variant (Variation ID: 21204). For these reasons, this variant has been classified as Pathogenic. Advanced modeling of protein sequence and biophysical properties (such as structural, functional, and spatial information, amino acid conservation, physicochemical variation, residue mobility, and thermodynamic stability) performed at Invitae indicates that this missense variant is expected to disrupt KCNJ11 protein function.

Genetic Services Laboratory, University of Chicago
Classification: Pathogenic for neonatal insulin-dependent diabetes mellitus. Last evaluated: 2013-02-08. Review status: criteria provided, single submitter. Criteria: ACMG Guidelines, 2007. Collection method: clinical testing. Allele origin: germline. Inheritance: Autosomal unknown. Affected: yes.

Clinical Genomics, Uppaluri K&H Personalized Medicine Clinic
Classification: Likely pathogenic for Type 2 diabetes mellitus. Review status: criteria provided, single submitter. Criteria: K&H Uppaluri Personalized Medicine Clinic Variant Classification & Assertion Criteria. Collection method: research. Allele origin: somatic. Inheritance: Autosomal dominant inheritance. Affected: yes.
Comment: Mutations in KCNJ11 gene can cause decreased production and secretion of insulin. This can lead to MODY which is responsive to oral sulfonylureas. rs193929356 (c.989A>G, p.Y330C) of KCNJ11 is associated with early onset Type I Diabetes Mellitus.

GeneReviews
No classification provided. Condition: Permanent neonatal diabetes mellitus. Review status: no classification provided. Collection method: literature only. Allele origin: unknown. Not counted in ClinVar's aggregate classification.

Literature cited by the submitters: PubMed 15448107 (cited by Labcorp Genetics (formerly Invitae), Labcorp); PubMed 29361385 (cited by Labcorp Genetics (formerly Invitae), Labcorp and Clinical Genomics, Uppaluri K&H Personalized Medicine Clinic); PubMed 32792356 (cited by Labcorp Genetics (formerly Invitae), Labcorp); PubMed 20301620 (cited by GeneReviews); NCBI Bookshelf NBK1447 (cited by GeneReviews).

NM_000525.4(KCNJ11):c.989A>G (p.Tyr330Cys)

Gene: KCNJ11 (potassium inwardly rectifying channel subfamily J member 11; minus strand). Cytogenetic location: 11p15.1.
Variant type: single nucleotide variant.
Coding change: c.989A>G on transcript NM_000525.4 (MANE Select); coding-DNA position 989, A replaced by G.
Protein change: p.Tyr330Cys; replaces tyrosine 330 with cysteine.
Molecular consequence: missense variant.
Genome position (GRCh38, 1-based): chr11:17,387,103, T>C on the plus strand (A>G on the coding strand, the complement: KCNJ11 is on the minus strand). VCF-style: chr11-17387103-T-C. GRCh37 (hg19) VCF-style: chr11-17408650-T-C.
Other names: c.728A>G, p.Tyr243Cys (NM_001166290.2, NM_001377296.1, NM_001377297.1); short protein forms Y330C, Y243C.
Identifiers: ClinVar variation 21204 (VCV000021204.12), dbSNP rs193929356, ClinGen allele CA172356.